The following is an entry in ClinVar:

ClinVar aggregate classification (germline): Pathogenic. Review status: criteria provided, single submitter (1 of 4 stars). 2 submissions from 2 submitters: Pathogenic (1). 1 of the submissions does not count toward it. Last evaluated 2022-02-22.

Conditions:
Hypercholesterolemia, autosomal dominant, type B (FHCL2). Also called: Familial Hypercholesterolemia Type B; Hyperlipoproteinemia Type IIb; Familial hypercholesterolemia 2; APOB-Related Familial Hypercholesterolemia, Autosomal Dominant; APOLIPOPROTEIN B-100, FAMILIAL DEFECTIVE; APOLIPOPROTEIN B-100, FAMILIAL LIGAND-DEFECTIVE. Identifiers: MedGen C1704417, MONDO:0007751, OMIM 144010.
Familial hypobetalipoproteinemia 1. Also called: APOB-Related Familial Hypobetalipoproteinemia; Hypobetalipoproteinemia, normotriglyceridemic; Acanthocytosis with hypobetalipoproteinemia. Identifiers: MedGen C4551990, MONDO:0014252, OMIM 615558.

Submissions (2):

Labcorp Genetics (formerly Invitae), Labcorp
Classification: Pathogenic for Familial hypobetalipoproteinemia 1; Hypercholesterolemia, autosomal dominant, type B. Last evaluated: 2022-02-22. Review status: criteria provided, single submitter. Criteria: Invitae Variant Classification Sherloc (09022015). Collection method: clinical testing. Allele origin: germline.
Comment: For these reasons, this variant has been classified as Pathogenic. ClinVar contains an entry for this variant (Variation ID: 17901). This premature translational stop signal has been observed in individuals with familial hypobetalipoproteinemia (PMID: 12872264, 15984016). This variant is not present in population databases (gnomAD no frequency). This sequence change creates a premature translational stop signal (p.Tyr1200*) in the APOB gene. It is expected to result in an absent or disrupted protein product. Loss-of-function variants in APOB are known to be pathogenic (PMID: 20032471).

OMIM
Classification: Pathogenic for HYPOBETALIPOPROTEINEMIA, NORMOTRIGLYCERIDEMIC. Last evaluated: 2005-07-01. Review status: no assertion criteria provided. Collection method: literature only. Allele origin: germline. Not counted in ClinVar's aggregate classification.

Literature cited by the submitters: PubMed 12872264 (cited by Labcorp Genetics (formerly Invitae), Labcorp); PubMed 15984016 (cited by Labcorp Genetics (formerly Invitae), Labcorp and OMIM); PubMed 20032471 (cited by Labcorp Genetics (formerly Invitae), Labcorp).

NM_000384.3(APOB):c.3600T>A (p.Tyr1200Ter)

Gene: APOB (apolipoprotein B; minus strand). Cytogenetic location: 2p24.1.
Variant type: single nucleotide variant.
Coding change: c.3600T>A on transcript NM_000384.3 (MANE Select); coding-DNA position 3600, T replaced by A.
Protein change: p.Tyr1200Ter; replaces tyrosine 1200 with a stop codon.
Molecular consequence: nonsense.
Genome position (GRCh38, 1-based): chr2:21,015,169, A>T on the plus strand (T>A on the coding strand, the complement: APOB is on the minus strand). VCF-style: chr2-21015169-A-T. GRCh37 (hg19) VCF-style: chr2-21238041-A-T.
Other names: Y1173*; short protein forms Y1200*.
Identifiers: ClinVar variation 17901 (VCV000017901.10), dbSNP rs121918391, ClinGen allele CA022822.
Genomic context (GRCh38, chr2:21,015,169, plus strand): 5'-GTCTGTTTGAGGGACTCTGTGATCCAGGAGTCTATTAGCATACATATGCAAGCTCTTAGG[A>T]TAATCGGAGAGATCCACAGGGAAATTGGAAGTCATTTTTTTGGTATCTACATTGGTGCCT-3'